The following is an entry in ClinVar:

NM_001348716.2(KDM6B):c.4510G>T (p.Glu1504Ter)

Genes: KDM6B (lysine demethylase 6B; plus strand), LOC121587574 (Sharpr-MPRA regulatory region 3930; plus strand). Cytogenetic location: 17p13.1.
Variant type: single nucleotide variant.
Coding change: c.4510G>T on transcript NM_001348716.2 (MANE Select); coding-DNA position 4510, G replaced by T.
Protein change: p.Glu1504Ter; replaces glutamic acid 1504 with a stop codon.
Molecular consequence: nonsense.
Genome position (GRCh38, 1-based): chr17:7,852,536, G>T. VCF-style: chr17-7852536-G-T. GRCh37 (hg19) VCF-style: chr17-7755854-G-T.
Other names: c.4510G>T, p.Glu1504Ter (NM_001080424.2); short protein forms E1504*.
Identifiers: ClinVar variation 4850795 (VCV004850795.1).
Genomic context (GRCh38, chr17:7,852,536, plus strand): 5'-GATCGCCTTTGGCCCGCAGCCTATCAGTACCAGCTGGCCCTGGAACGATACGAGTGGAAT[G>T]AGGTGAAGAACGTCAAATCCATCGTGCCCATGATTCACGTGTCATGGAACGTGGCTCGCA-3'

ClinVar aggregate classification (germline): Likely pathogenic (1 of 4 stars; one submission).

Conditions:
Neurodevelopmental disorder with coarse facies and mild distal skeletal abnormalities. Also called: STOLERMAN NEURODEVELOPMENTAL SYNDROME. Identifiers: MedGen C5193134, MONDO:0032790, OMIM 618505.

Submission:

Variantyx, Inc.
Classification: Likely pathogenic for Neurodevelopmental disorder with coarse facies and mild distal skeletal abnormalities. Last evaluated: 2026-01-21. Review status: criteria provided, single submitter. Criteria: Variantyx Assertion Criteria 2022. Collection method: clinical testing. Allele origin: germline. Inheritance: Autosomal dominant inheritance. Affected: yes.
Comment: This is a nonsense variant in the KDM6B gene (OMIM: 611577). Pathogenic variants in this gene have been associated with autosomal dominant Stolerman neurodevelopmental syndrome. This variant introduces a premature termination codon in exon 21 out of 24and is expected to result in loss of function, which is a known disease mechanism for KDM6B in this disorder (PMID: 31124279) (PVS1). This variant is absent from control populations (PM2). This variant has not been reported in individuals with KDM6B-related disorders in the databases available for review. Based on the current evidence, this variant is classified as likely pathogenic for autosomal dominant Stolerman neurodevelopmental syndrome.Inheritance from an unaffected parent or a parent with unknown affected status has been reported, consistent with incomplete penetrance (PMID: 37196654).

Literature cited by the submitters: PubMed 31124279; PubMed 37196654.